The following is an entry in ClinVar:

ClinVar aggregate classification (germline): Uncertain significance (1 of 4 stars; one submission).

Conditions:
Primary ciliary dyskinesia. Also called: Ciliary dyskinesia. Identifiers: Orphanet 244, MedGen C0008780, MONDO:0016575, HP:0012265.

gnomAD v4.1: 42 of 1,614,002 alleles (0.0026%); highest among the groups gnomAD compares: Middle Eastern, 0.033%; no homozygotes.

Submission:

Labcorp Genetics (formerly Invitae), Labcorp
Classification: Uncertain significance for Primary ciliary dyskinesia. Last evaluated: 2025-04-07. Review status: criteria provided, single submitter. Criteria: Invitae Variant Classification Sherloc (09022015). Collection method: clinical testing. Allele origin: germline.
Comment: This sequence change replaces asparagine, which is neutral and polar, with serine, which is neutral and polar, at codon 4319 of the DNAH5 protein (p.Asn4319Ser). This variant is present in population databases (rs748008373, gnomAD 0.003%). This variant has not been reported in the literature in individuals affected with DNAH5-related conditions. Invitae Evidence Modeling of protein sequence and biophysical properties (such as structural, functional, and spatial information, amino acid conservation, physicochemical variation, residue mobility, and thermodynamic stability) has been performed for this missense variant. However, the output from this modeling did not meet the statistical confidence thresholds required to predict the impact of this variant on DNAH5 protein function. In summary, the available evidence is currently insufficient to determine the role of this variant in disease. Therefore, it has been classified as a Variant of Uncertain Significance.

NM_001369.3(DNAH5):c.12956A>G (p.Asn4319Ser)

Gene: DNAH5 (dynein axonemal heavy chain 5; minus strand). Cytogenetic location: 5p15.2.
Variant type: single nucleotide variant.
Coding change: c.12956A>G on transcript NM_001369.3 (MANE Select); coding-DNA position 12956, A replaced by G.
Protein change: p.Asn4319Ser; replaces asparagine 4319 with serine.
Molecular consequence: missense variant.
Genome position (GRCh38, 1-based): chr5:13,714,574, T>C on the plus strand (A>G on the coding strand, the complement: DNAH5 is on the minus strand). VCF-style: chr5-13714574-T-C. GRCh37 (hg19) VCF-style: chr5-13714683-T-C.
Other names: short protein forms N4319S.
Identifiers: ClinVar variation 4746209 (VCV004746209.1).